The following is an entry in ClinVar:

ClinVar aggregate classification (germline): Uncertain significance (1 of 4 stars; one submission).

Conditions:
Cardiovascular phenotype. Identifiers: MedGen CN230736.

Allele frequency attached by ClinVar (database versions not stated): gnomAD exomes below 0.00001.
gnomAD v4.1: 1 of 1,614,078 alleles (0.000062%); highest among the groups gnomAD compares: African/African-American, 0.0013%; no homozygotes.

Submission:

Ambry Genetics
Classification: Uncertain significance for Cardiovascular phenotype. Last evaluated: 2022-02-07. Review status: criteria provided, single submitter. Criteria: Ambry Variant Classification Scheme 2023. Collection method: clinical testing. Allele origin: germline.
Comment: The p.F2612S variant (also known as c.7835T>C), located in coding exon 26 of the APOB gene, results from a T to C substitution at nucleotide position 7835. The phenylalanine at codon 2612 is replaced by serine, an amino acid with highly dissimilar properties. This amino acid position is conserved. In addition, this alteration is predicted to be tolerated by in silico analysis. Since supporting evidence is limited at this time, the clinical significance of this alteration remains unclear.

NM_000384.3(APOB):c.7835T>C (p.Phe2612Ser)

Gene: APOB (apolipoprotein B; minus strand). Cytogenetic location: 2p24.1.
Variant type: single nucleotide variant.
Coding change: c.7835T>C on transcript NM_000384.3 (MANE Select); coding-DNA position 7835, T replaced by C.
Protein change: p.Phe2612Ser; replaces phenylalanine 2612 with serine.
Molecular consequence: missense variant.
Genome position (GRCh38, 1-based): chr2:21,009,033, A>G on the plus strand (T>C on the coding strand, the complement: APOB is on the minus strand). VCF-style: chr2-21009033-A-G. GRCh37 (hg19) VCF-style: chr2-21231905-A-G.
Other names: short protein forms F2612S.
Identifiers: ClinVar variation 1760822 (VCV001760822.2), dbSNP rs2465367975, ClinGen allele CA345996014.